The following is an entry in ClinVar:

NM_024675.4(PALB2):c.1882A>T (p.Lys628Ter)

Gene: PALB2 (partner and localizer of BRCA2; minus strand). Cytogenetic location: 16p12.2.
Variant type: single nucleotide variant.
Coding change: c.1882A>T on transcript NM_024675.4 (MANE Select); coding-DNA position 1882, A replaced by T.
Protein change: p.Lys628Ter; replaces lysine 628 with a stop codon.
Molecular consequence: nonsense.
Genome position (GRCh38, 1-based): chr16:23,630,272, T>A on the plus strand (A>T on the coding strand, the complement: PALB2 is on the minus strand). VCF-style: chr16-23630272-T-A. GRCh37 (hg19) VCF-style: chr16-23641593-T-A.
Other names: short protein forms K628*.
Identifiers: ClinVar variation 820249 (VCV000820249.12), dbSNP rs1597090894, ClinGen allele CA395127646.

ClinVar aggregate classification (germline): Pathogenic. Review status: criteria provided, multiple submitters, no conflicts (2 of 4 stars). 2 submissions from 2 submitters: Pathogenic (2). Last evaluated 2020-09-02.

Conditions:
Familial cancer of breast. Also called: BREAST CANCER, FAMILIAL; Hereditary breast cancer; hereditary breast carcinoma. Identifiers: Orphanet 227535, MedGen C0346153, MONDO:0016419, OMIM 114480. Disease mechanism: loss of function.
Hereditary cancer-predisposing syndrome. Also called: Neoplastic Syndromes, Hereditary; Tumor predisposition; Hereditary Cancer Syndrome; Hereditary neoplastic syndrome. Identifiers: Orphanet 140162, MedGen C0027672, MeSH D009386, MONDO:0015356.

Submissions (2):

Labcorp Genetics (formerly Invitae), Labcorp
Classification: Pathogenic for Familial cancer of breast. Last evaluated: 2020-09-02. Review status: criteria provided, single submitter. Criteria: Invitae Variant Classification Sherloc (09022015). Collection method: clinical testing. Allele origin: germline.
Comment: This variant has not been reported in the literature in individuals with PALB2-related conditions. ClinVar contains an entry for this variant (Variation ID: 820249). This variant is not present in population databases (ExAC no frequency). This sequence change creates a premature translational stop signal (p.Lys628*) in the PALB2 gene. It is expected to result in an absent or disrupted protein product. Loss-of-function variants in PALB2 are known to be pathogenic (PMID: 17200668, 24136930, 25099575). For these reasons, this variant has been classified as Pathogenic.

Ambry Genetics
Classification: Pathogenic for Hereditary cancer-predisposing syndrome. Last evaluated: 2019-09-12. Review status: criteria provided, single submitter. Criteria: Ambry Variant Classification Scheme 2023. Collection method: clinical testing. Allele origin: germline.
Comment: The p.K628* pathogenic mutation (also known as c.1882A>T), located in coding exon 5 of the PALB2 gene, results from an A to T substitution at nucleotide position 1882. This changes the amino acid from a lysine to a stop codon within coding exon 5. This alteration is expected to result in loss of function by premature protein truncation or nonsense-mediated mRNA decay. As such, this alteration is interpreted as a disease-causing mutation.

Literature cited by the submitters: PubMed 17200668 (cited by Labcorp Genetics (formerly Invitae), Labcorp); PubMed 24136930 (cited by Labcorp Genetics (formerly Invitae), Labcorp); PubMed 25099575 (cited by Labcorp Genetics (formerly Invitae), Labcorp).